The following is an entry in ClinVar:

ClinVar aggregate classification (germline): Pathogenic/Likely pathogenic. Review status: criteria provided, multiple submitters, no conflicts (2 of 4 stars). 4 submissions from 4 submitters: Pathogenic (1); Likely pathogenic (3). Last evaluated 2026-09-11.

Conditions:
FANCL-related disorder. Also called: FANCL-related condition.
Fanconi anemia (FA). Also called: Fanconi's anemia. Identifiers: Orphanet 84, MedGen C0015625, MeSH D005199, MONDO:0019391.
Fanconi anemia complementation group L (FANCL). Also called: FANCL-Related Fanconi Anemia. Identifiers: Orphanet 84, MedGen C3469528, MONDO:0013566, OMIM 614083.

Allele frequency attached by ClinVar (database versions not stated): gnomAD exomes below 0.00001.

Submissions (4):

PreventionGenetics, part of Exact Sciences
Classification: Likely pathogenic for FANCL-related condition. Last evaluated: 2026-09-11. Review status: criteria provided, single submitter. Criteria: ACMG Guidelines, 2015. Collection method: clinical testing. Allele origin: germline.
Comment: The FANCL c.202C>T variant is predicted to result in premature protein termination (p.Arg68*). To our knowledge, this variant has not been reported in the literature. This variant is reported in 0.0065% of alleles in individuals of European (Non-Finnish) descent in gnomAD. Nonsense variants in FANCL are expected to be pathogenic. This variant is interpreted as likely pathogenic.

Baylor Genetics
Classification: Likely pathogenic for Fanconi anemia complementation group L. Last evaluated: 2024-03-28. Review status: criteria provided, single submitter. Criteria: ACMG Guidelines, 2015. Collection method: clinical testing. Allele origin: unknown.

Labcorp Genetics (formerly Invitae), Labcorp
Classification: Pathogenic for Fanconi anemia. Last evaluated: 2023-08-04. Review status: criteria provided, single submitter. Criteria: Invitae Variant Classification Sherloc (09022015). Collection method: clinical testing. Allele origin: germline.
Comment: This sequence change creates a premature translational stop signal (p.Arg68*) in the FANCL gene. It is expected to result in an absent or disrupted protein product. Loss-of-function variants in FANCL are known to be pathogenic (PMID: 19405097, 23613520). This variant is present in population databases (no rsID available, gnomAD 0.007%). This variant has not been reported in the literature in individuals affected with FANCL-related conditions. ClinVar contains an entry for this variant (Variation ID: 1076769). For these reasons, this variant has been classified as Pathogenic.

Women's Health and Genetics/Laboratory Corporation of America, LabCorp
Classification: Likely pathogenic for Fanconi anemia. Last evaluated: 2022-02-19. Review status: criteria provided, single submitter. Criteria: LabCorp Variant Classification Summary - May 2015. Collection method: clinical testing. Allele origin: germline.
Comment: Variant summary: FANCL c.202C>T (p.Arg68X) results in a premature termination codon, predicted to cause a truncation of the encoded protein or absence of the protein due to nonsense mediated decay, which are commonly known mechanisms for disease. The variant was absent in 251158 control chromosomes (gnomAD). To our knowledge, no occurrence of c.202C>T in individuals affected with Fanconi Anemia and no experimental evidence demonstrating its impact on protein function have been reported. One clinical diagnostic laboratory has submitted clinical-significance assessments for this variant to ClinVar after 2014 and classified the variant as pathogenic. Based on the evidence outlined above, the variant was classified as likely pathogenic.

Literature cited by the submitters: PubMed 19405097 (cited by Labcorp Genetics (formerly Invitae), Labcorp); PubMed 23613520 (cited by Labcorp Genetics (formerly Invitae), Labcorp).

NM_018062.4(FANCL):c.202C>T (p.Arg68Ter)

Gene: FANCL (FA complementation group L; minus strand). Cytogenetic location: 2p16.1.
Variant type: single nucleotide variant.
Coding change: c.202C>T on transcript NM_018062.4 (MANE Select); coding-DNA position 202, C replaced by T.
Protein change: p.Arg68Ter; replaces arginine 68 with a stop codon.
Molecular consequence: nonsense.
Genome position (GRCh38, 1-based): chr2:58,229,828, G>A on the plus strand (C>T on the coding strand, the complement: FANCL is on the minus strand). VCF-style: chr2-58229828-G-A. GRCh37 (hg19) VCF-style: chr2-58456963-G-A.
Other names: c.202C>T, p.Arg68Ter (NM_001114636.2, NM_001374615.1, NM_001410792.1); short protein forms R68*.
Identifiers: ClinVar variation 1076769 (VCV001076769.10), dbSNP rs1490932431, ClinGen allele CA347034774.